The following is an entry in ClinVar:

NM_005633.4(SOS1):c.3221A>G (p.Glu1074Gly)

Gene: SOS1 (SOS Ras/Rac guanine nucleotide exchange factor 1; minus strand). Cytogenetic location: 2p22.1.
Variant type: single nucleotide variant.
Coding change: c.3221A>G on transcript NM_005633.4 (MANE Select); coding-DNA position 3221, A replaced by G.
Protein change: p.Glu1074Gly; replaces glutamic acid 1074 with glycine.
Molecular consequence: missense variant.
Genome position (GRCh38, 1-based): chr2:38,995,248, T>C on the plus strand (A>G on the coding strand, the complement: SOS1 is on the minus strand). VCF-style: chr2-38995248-T-C. GRCh37 (hg19) VCF-style: chr2-39222389-T-C.
Other names: c.3200A>G, p.Glu1067Gly (NM_001382394.1); c.3221A>G, p.Glu1074Gly (NM_001382395.1); short protein forms E1074G, E1067G.
Identifiers: ClinVar variation 4987449 (VCV004987449.1).

ClinVar aggregate classification (germline): Uncertain significance (1 of 4 stars; one submission).

Conditions:
SOS1-related disorder. Also called: SOS1-related condition.

gnomAD v4.1: 8 of 1,613,986 alleles (0.0005%); highest among the groups gnomAD compares: South Asian, 0.0022%; no homozygotes.

Submission:

PreventionGenetics, part of Exact Sciences
Classification: Uncertain significance for SOS1-related condition. Last evaluated: 2025-12-19. Review status: criteria provided, single submitter. Criteria: ACMG Guidelines, 2015. Collection method: clinical testing. Allele origin: germline.
Comment: The SOS1 c.3221A>G variant is predicted to result in the amino acid substitution p.Glu1074Gly. To our knowledge, this variant has not been reported in the literature. This variant is reported in 0.0033% of alleles in individuals of South Asian descent in gnomAD. At this time, the clinical significance of this variant is uncertain due to the absence of conclusive functional and genetic evidence.